The following is an entry in ClinVar:

NM_004304.5(ALK):c.2230G>A (p.Gly744Arg)

Gene: ALK (ALK receptor tyrosine kinase; minus strand). Cytogenetic location: 2p23.2.
Variant type: single nucleotide variant.
Coding change: c.2230G>A on transcript NM_004304.5 (MANE Select); coding-DNA position 2230, G replaced by A.
Protein change: p.Gly744Arg; replaces glycine 744 with arginine.
Molecular consequence: missense variant.
Genome position (GRCh38, 1-based): chr2:29,239,805, C>T on the plus strand (G>A on the coding strand, the complement: ALK is on the minus strand). VCF-style: chr2-29239805-C-T. GRCh37 (hg19) VCF-style: chr2-29462671-C-T.
Other names: short protein forms G744R.
Identifiers: ClinVar variation 967217 (VCV000967217.10), dbSNP rs1168161055, ClinGen allele CA346474729.
Genomic context (GRCh38, chr2:29,239,805, plus strand): 5'-TGAAGATGCCCAGCACAGACACGCCGTGGGACCGCATCATGGTGTTCTTCCCGCCTTTCC[C>T]GCCAGCAGCTCCGTAGCCCGAGATGCTGCAATGGGACAAAGAACGTTGGCTCCCGCTGTG-3'
Protein context (NP_004295.2, residues 734-754): YSISGYGAAG[Gly744Arg]KGGKNTMMRS

ClinVar aggregate classification (germline): Uncertain significance. Review status: criteria provided, multiple submitters, no conflicts (2 of 4 stars). 3 submissions from 3 submitters: Uncertain significance (3). Last evaluated 2025-10-07.

Conditions:
Hereditary cancer-predisposing syndrome. Also called: Hereditary neoplastic syndrome; Hereditary Cancer Syndrome; Tumor predisposition; Neoplastic Syndromes, Hereditary. Identifiers: Orphanet 140162, MedGen C0027672, MeSH D009386, MONDO:0015356.
Neuroblastoma, susceptibility to, 3. Also called: ALK-Related Neuroblastic Tumor Susceptibility. Identifiers: Orphanet 635, MedGen C2751681, MONDO:0013083, OMIM 613014.

Allele frequency attached by ClinVar (database versions not stated): gnomAD exomes below 0.00001.
gnomAD v4.1: 5 of 1,613,854 alleles (0.00031%); highest among the groups gnomAD compares: South Asian, 0.0022%; no homozygotes.

Submissions (3):

Labcorp Genetics (formerly Invitae), Labcorp
Classification: Uncertain significance for Neuroblastoma, susceptibility to, 3. Last evaluated: 2025-10-07. Review status: criteria provided, single submitter. Criteria: Invitae Variant Classification Sherloc (09022015). Collection method: clinical testing. Allele origin: germline.
Comment: This sequence change replaces glycine, which is neutral and non-polar, with arginine, which is basic and polar, at codon 744 of the ALK protein (p.Gly744Arg). The frequency data for this variant in the population databases is considered unreliable, as metrics indicate poor data quality at this position in the gnomAD database. This variant has not been reported in the literature in individuals affected with ALK-related conditions. ClinVar contains an entry for this variant (Variation ID: 967217). An algorithm developed to predict the effect of missense changes on protein structure and function (PolyPhen-2) suggests that this variant is likely to be disruptive. In summary, the available evidence is currently insufficient to determine the role of this variant in disease. Therefore, it has been classified as a Variant of Uncertain Significance.

Ambry Genetics
Classification: Uncertain significance for Hereditary cancer-predisposing syndrome. Last evaluated: 2025-02-24. Review status: criteria provided, single submitter. Criteria: Ambry Variant Classification Scheme 2023. Collection method: clinical testing. Allele origin: germline.
Comment: The p.G744R variant (also known as c.2230G>A), located in coding exon 13 of the ALK gene, results from a G to A substitution at nucleotide position 2230. The glycine at codon 744 is replaced by arginine, an amino acid with dissimilar properties. This amino acid position is conserved. In addition, this alteration is predicted to be deleterious by in silico analysis. Based on the available evidence, the clinical significance of this variant remains unclear.

Baylor Genetics
Classification: Uncertain significance for Neuroblastoma, susceptibility to, 3. Last evaluated: 2024-03-04. Review status: criteria provided, single submitter. Criteria: ACMG Guidelines, 2015. Collection method: clinical testing. Allele origin: unknown.